The following is an entry in ClinVar:

NM_005188.4(CBL):c.992G>T (p.Gly331Val)

Gene: CBL (Cbl proto-oncogene; plus strand). Cytogenetic location: 11q23.3.
Variant type: single nucleotide variant.
Coding change: c.992G>T on transcript NM_005188.4 (MANE Select); coding-DNA position 992, G replaced by T.
Protein change: p.Gly331Val; replaces glycine 331 with valine.
Molecular consequence: missense variant.
Genome position (GRCh38, 1-based): chr11:119,276,119, G>T. VCF-style: chr11-119276119-G-T. GRCh37 (hg19) VCF-style: chr11-119146829-G-T.
Other names: short protein forms G331V.
Identifiers: ClinVar variation 3995993 (VCV003995993.1).

ClinVar aggregate classification (germline): Uncertain significance (1 of 4 stars; one submission).

Conditions:
Cardiovascular phenotype. Identifiers: MedGen CN230736.

Submission:

Ambry Genetics
Classification: Uncertain significance for Cardiovascular phenotype. Last evaluated: 2025-03-30. Review status: criteria provided, single submitter. Criteria: Ambry Variant Classification Scheme 2023. Collection method: clinical testing. Allele origin: germline.
Comment: The p.G331V variant (also known as c.992G>T), located in coding exon 6 of the CBL gene, results from a G to T substitution at nucleotide position 992. The glycine at codon 331 is replaced by valine, an amino acid with dissimilar properties. This amino acid position is conserved. In addition, this alteration is predicted to be deleterious by in silico analysis. Based on the available evidence, the clinical significance of this variant remains unclear.